The following is an entry in ClinVar:

ClinVar aggregate classification (germline): Conflicting classifications of pathogenicity. Review status: criteria provided, conflicting classifications (1 of 4 stars). 7 submissions from 6 submitters: Uncertain significance (2); Likely benign (2). 3 of the submissions do not count toward it. Last evaluated 2025-11-17.

Conditions:
NPHP4-related disorder. Also called: NPHP4-related disorders; NPHP4-related condition. Identifiers: MedGen CN239384.
Nephronophthisis. Also called: Juvenile Nephronophthisis. Identifiers: Orphanet 655, MedGen C0687120, MONDO:0019005, HP:0000090.
Senior-Loken syndrome 4 (SLSN4). Identifiers: Orphanet 3156, MedGen C1846979, MONDO:0011756, OMIM 606996.
Nephronophthisis 4 (NPHP4). Also called: NEPHRONOPHTHISIS 4, JUVENILE. Identifiers: Orphanet 655, MedGen C1847013, MONDO:0011752, OMIM 606966.

Allele frequency attached by ClinVar (database versions not stated): ESP Exome Variant Server 0.00008; 1000 Genomes Project 30x 0.00016; ExAC 0.00019; gnomAD exomes 0.00026 and 0.00062; gnomAD 0.00029 and 0.00031; TOPMed 0.00029.
gnomAD v4.1: 933 of 1,612,116 alleles (0.058%); highest among the groups gnomAD compares: Non-Finnish European, 0.076%; no homozygotes.

Submissions (7):

Labcorp Genetics (formerly Invitae), Labcorp
Classification: Likely benign for Nephronophthisis. Last evaluated: 2025-11-17. Review status: criteria provided, single submitter. Criteria: Invitae Variant Classification Sherloc (09022015). Collection method: clinical testing. Allele origin: germline.

Blueprint Genetics
Classification: Likely benign. Last evaluated: 2024-10-30. Review status: criteria provided, single submitter. Criteria: ACMG Guidelines, 2015. Collection method: clinical testing. Allele origin: germline.

Illumina Laboratory Services, Illumina
Classification: Uncertain significance for Senior-Loken syndrome 4. Last evaluated: 2018-01-13. Review status: criteria provided, single submitter. Criteria: ICSL Variant Classification Criteria 13 December 2019. Collection method: clinical testing. Allele origin: germline.

Illumina Laboratory Services, Illumina
Classification: Uncertain significance for Nephronophthisis 4. Last evaluated: 2018-01-13. Review status: criteria provided, single submitter. Criteria: ICSL Variant Classification Criteria 13 December 2019. Collection method: clinical testing. Allele origin: germline.

PreventionGenetics, part of Exact Sciences
Classification: Likely benign for NPHP4-related condition. Last evaluated: 2019-12-31. Review status: no assertion criteria provided. Collection method: clinical testing. Allele origin: germline. Not counted in ClinVar's aggregate classification.
Comment: This variant is classified as likely benign based on ACMG/AMP sequence variant interpretation guidelines (Richards et al. 2015 PMID: 25741868, with internal and published modifications).

Clinical Genetics DNA and cytogenetics Diagnostics Lab, Erasmus MC, Erasmus Medical Center
Classification: Likely benign. Review status: no assertion criteria provided. Collection method: clinical testing. Allele origin: germline. Affected: yes. Study: VKGL Data-share Consensus. Not counted in ClinVar's aggregate classification.

Genome Diagnostics Laboratory, University Medical Center Utrecht
Classification: Likely benign. Review status: no assertion criteria provided. Collection method: clinical testing. Allele origin: germline. Affected: yes. Study: VKGL Data-share Consensus. Not counted in ClinVar's aggregate classification.

NM_015102.5(NPHP4):c.2115T>C (p.Pro705=)

Gene: NPHP4 (nephrocystin 4; minus strand). Cytogenetic location: 1p36.31.
Variant type: single nucleotide variant.
Coding change: c.2115T>C on transcript NM_015102.5 (MANE Select); coding-DNA position 2115, T replaced by C.
Protein change: p.Pro705=; no amino-acid change (proline 705 retained).
Molecular consequence: synonymous variant. On other transcripts: non-coding transcript variant (1).
Genome position (GRCh38, 1-based): chr1:5,904,645, A>G on the plus strand (T>C on the coding strand, the complement: NPHP4 is on the minus strand). VCF-style: chr1-5904645-A-G. GRCh37 (hg19) VCF-style: chr1-5964705-A-G.
Other names: c.576T>C, p.Pro192= (NM_001291593.2); c.579T>C, p.Pro193= (NM_001291594.2).
Identifiers: ClinVar variation 297811 (VCV000297811.20), dbSNP rs200848754, ClinGen allele CA554270.